The following is an entry in ClinVar:

ClinVar aggregate classification (germline): Likely benign. Review status: criteria provided, multiple submitters, no conflicts (2 of 4 stars). 3 submissions from 3 submitters: Likely benign (3). Last evaluated 2022-12-30.

Conditions:
Cardiovascular phenotype. Identifiers: MedGen CN230736.
Progressive familial heart block type IB (PFHB1B). Identifiers: Orphanet 871, MedGen C1970298, MONDO:0011474, OMIM 604559.

Allele frequency attached by ClinVar (database versions not stated): gnomAD 0.00003; TOPMed 0.00001.
gnomAD v4.1: 12 of 1,534,856 alleles (0.00078%); highest among the groups gnomAD compares: African/African-American, 0.0055%; no homozygotes.

Submissions (3):

Labcorp Genetics (formerly Invitae), Labcorp
Classification: Likely benign for Progressive familial heart block type IB. Last evaluated: 2022-12-30. Review status: criteria provided, single submitter. Criteria: Invitae Variant Classification Sherloc (09022015). Collection method: clinical testing. Allele origin: germline.

Ambry Genetics
Classification: Likely benign for Cardiovascular phenotype. Last evaluated: 2018-02-08. Review status: criteria provided, single submitter. Criteria: Ambry Variant Classification Scheme 2023. Collection method: clinical testing. Allele origin: germline.

GeneDx
Classification: Likely benign. Last evaluated: 2017-06-09. Review status: criteria provided, single submitter. Criteria: GeneDx Variant Classification (06012015). Collection method: clinical testing. Allele origin: germline. Affected: yes.
Comment: This variant is considered likely benign or benign based on one or more of the following criteria: it is a conservative change, it occurs at a poorly conserved position in the protein, it is predicted to be benign by multiple in silico algorithms, and/or has population frequency not consistent with disease.

NM_017636.4(TRPM4):c.12G>A (p.Pro4=)

Gene: TRPM4 (transient receptor potential cation channel subfamily M member 4; plus strand). Cytogenetic location: 19q13.33.
Variant type: single nucleotide variant.
Coding change: c.12G>A on transcript NM_017636.4 (MANE Select); coding-DNA position 12, G replaced by A.
Protein change: p.Pro4=; no amino-acid change (proline 4 retained).
Molecular consequence: synonymous variant. On other transcripts: 5 prime UTR variant (3).
Genome position (GRCh38, 1-based): chr19:49,157,878, G>A. VCF-style: chr19-49157878-G-A. GRCh37 (hg19) VCF-style: chr19-49661135-G-A.
Other names: c.12G>A, p.Pro4= (NM_001195227.2, NM_001321281.2); c.-1361G>A (NM_001321282.2); c.-155G>A (NM_001321283.2); c.-318G>A (NM_001321285.2).
Identifiers: ClinVar variation 509958 (VCV000509958.10), dbSNP rs1403043676, ClinGen allele CA508097672.